The following is an entry in ClinVar:

NM_000214.3(JAG1):c.446A>C (p.Asp149Ala)

Gene: JAG1 (jagged canonical Notch ligand 1; minus strand). Cytogenetic location: 20p12.2.
Variant type: single nucleotide variant.
Coding change: c.446A>C on transcript NM_000214.3 (MANE Select); coding-DNA position 446, A replaced by C.
Protein change: p.Asp149Ala; replaces aspartic acid 149 with alanine.
Molecular consequence: missense variant.
Genome position (GRCh38, 1-based): chr20:10,658,716, T>G on the plus strand (A>C on the coding strand, the complement: JAG1 is on the minus strand). VCF-style: chr20-10658716-T-G. GRCh37 (hg19) VCF-style: chr20-10639364-T-G.
Other names: short protein forms D149A.
Identifiers: ClinVar variation 3287114 (VCV003287114.3).

ClinVar aggregate classification (germline): Uncertain significance. Review status: criteria provided, multiple submitters, no conflicts (2 of 4 stars). 2 submissions from 2 submitters: Uncertain significance (2). Last evaluated 2024-04-26.

Conditions:
Cardiovascular phenotype. Identifiers: MedGen CN230736.
Alagille syndrome due to a JAG1 point mutation. Also called: JAG1-Related Alagille Syndrome; HEPATIC DUCTULAR HYPOPLASIA, SYNDROMATIC; Alagille Syndrome 1. Identifiers: Orphanet 261619, Orphanet 52, MedGen C1956125, MONDO:0016862, OMIM 118450.

gnomAD v4.1: 3 of 1,614,186 alleles (0.00019%); highest among the groups gnomAD compares: Non-Finnish European, 0.00025%; no homozygotes.

Submissions (2):

Ambry Genetics
Classification: Uncertain significance for Cardiovascular phenotype. Last evaluated: 2024-04-26. Review status: criteria provided, single submitter. Criteria: Ambry Variant Classification Scheme 2023. Collection method: clinical testing. Allele origin: germline.
Comment: The p.D149A variant (also known as c.446A>C), located in coding exon 4 of the JAG1 gene, results from an A to C substitution at nucleotide position 446. The aspartic acid at codon 149 is replaced by alanine, an amino acid with dissimilar properties. This amino acid position is conserved. In addition, the in silico prediction for this alteration is inconclusive. Based on the available evidence, the clinical significance of this variant remains unclear.

Labcorp Genetics (formerly Invitae), Labcorp
Classification: Uncertain significance for Alagille syndrome due to a JAG1 point mutation. Last evaluated: 2024-04-04. Review status: criteria provided, single submitter. Criteria: Invitae Variant Classification Sherloc (09022015). Collection method: clinical testing. Allele origin: germline.
Comment: This sequence change replaces aspartic acid, which is acidic and polar, with alanine, which is neutral and non-polar, at codon 149 of the JAG1 protein (p.Asp149Ala). This variant is not present in population databases (gnomAD no frequency). This variant has not been reported in the literature in individuals affected with JAG1-related conditions. Advanced modeling of protein sequence and biophysical properties (such as structural, functional, and spatial information, amino acid conservation, physicochemical variation, residue mobility, and thermodynamic stability) performed at Invitae indicates that this missense variant is not expected to disrupt JAG1 protein function with a negative predictive value of 95%. In summary, the available evidence is currently insufficient to determine the role of this variant in disease. Therefore, it has been classified as a Variant of Uncertain Significance.